The following is an entry in ClinVar:

NM_020856.4(TSHZ3):c.2060C>T (p.Pro687Leu)

Gene: TSHZ3 (teashirt zinc finger homeobox 3; minus strand). Cytogenetic location: 19q12.
Variant type: single nucleotide variant.
Coding change: c.2060C>T on transcript NM_020856.4 (MANE Select); coding-DNA position 2060, C replaced by T.
Protein change: p.Pro687Leu; replaces proline 687 with leucine.
Molecular consequence: missense variant.
Genome position (GRCh38, 1-based): chr19:31,277,733, G>A on the plus strand (C>T on the coding strand, the complement: TSHZ3 is on the minus strand). VCF-style: chr19-31277733-G-A. GRCh37 (hg19) VCF-style: chr19-31768639-G-A.
Other names: short protein forms P687L.
Identifiers: ClinVar variation 789117 (VCV000789117.6), dbSNP rs4805664, ClinGen allele CA9354136.

ClinVar aggregate classification (germline): Benign. Review status: criteria provided, multiple submitters, no conflicts (2 of 4 stars). 3 submissions from 3 submitters: Benign (2). 1 of the submissions does not count toward it. Last evaluated 2018-06-22.

Conditions:
TSHZ3-related disorder. Also called: TSHZ3-related condition.

Allele frequency attached by ClinVar (database versions not stated): ESP Exome Variant Server 0.00008; gnomAD exomes 0.00092 and 0.00463; gnomAD 0.00349 and 0.00358; ExAC 0.00405; TOPMed 0.00584; 1000 Genomes Project 0.00699; 1000 Genomes Project 30x 0.00781.
gnomAD v4.1: 1,820 of 1,521,708 alleles (0.12%); highest among the groups gnomAD compares: Admixed American, 3.5%; 40 homozygotes.

Submissions (3):

Labcorp Genetics (formerly Invitae), Labcorp
Classification: Benign. Last evaluated: 2018-06-22. Review status: criteria provided, single submitter. Criteria: Invitae Variant Classification Sherloc (09022015). Collection method: clinical testing. Allele origin: germline.

Breakthrough Genomics
Classification: Benign. Review status: criteria provided, single submitter. Criteria: ACMG Guidelines, 2015. Collection method: not provided. Allele origin: germline. Inheritance: Unknown mechanism. Affected: yes.

PreventionGenetics, part of Exact Sciences
Classification: Likely benign for TSHZ3-related condition. Last evaluated: 2023-11-29. Review status: no assertion criteria provided. Collection method: clinical testing. Allele origin: germline. Not counted in ClinVar's aggregate classification.
Comment: This variant is classified as likely benign based on ACMG/AMP sequence variant interpretation guidelines (Richards et al. 2015 PMID: 25741868, with internal and published modifications).